The following is an entry in ClinVar:

NM_000143.4(FH):c.1121del (p.Pro374fs)

Gene: FH (fumarate hydratase; minus strand). Cytogenetic location: 1q43.
Variant type: Deletion.
Coding change: c.1121del on transcript NM_000143.4 (MANE Select); coding-DNA position 1121, one base deleted (C; older notation c.1121delC).
Protein change: p.Pro374fs; shifts the reading frame from proline 374.
Molecular consequence: frameshift variant.
Genome position (GRCh38, 1-based): chr1:241,502,558, G deleted on the plus strand (C on the coding strand, the reverse complement: FH is on the minus strand); the first of 3 consecutive G bases (chr1:241,502,558-241,502,560); deleting any one gives the same sequence. VCF-style (leftmost placement, unchanged base first): chr1-241502557-AG-A. GRCh37 (hg19) VCF-style: chr1-241665857-AG-A.
Other names: short protein forms P374fs.
Identifiers: ClinVar variation 3656410 (VCV003656410.2).

ClinVar aggregate classification (germline): Pathogenic (1 of 4 stars; one submission).

Submission:

Labcorp Genetics (formerly Invitae), Labcorp
Classification: Pathogenic. Last evaluated: 2024-06-12. Review status: criteria provided, single submitter. Criteria: Invitae Variant Classification Sherloc (09022015). Collection method: clinical testing. Allele origin: germline.
Comment: This sequence change creates a premature translational stop signal (p.Pro374Leufs*7) in the FH gene. It is expected to result in an absent or disrupted protein product. Loss-of-function variants in FH are known to be pathogenic (PMID: 11865300, 21398687). This variant is not present in population databases (gnomAD no frequency). This variant has not been reported in the literature in individuals affected with FH-related conditions. For these reasons, this variant has been classified as Pathogenic.

Literature cited by the submitters: PubMed 11865300; PubMed 21398687.